The following is an entry in ClinVar:

NM_001286555.3(DUSP22):c.*8G>A

Gene: DUSP22 (dual specificity phosphatase 22; plus strand). Cytogenetic location: 6p25.3.
Variant type: single nucleotide variant.
Coding change: c.*8G>A on transcript NM_001286555.3 (MANE Select); 8 bases downstream of the stop codon, G replaced by A.
Molecular consequence: 3 prime UTR variant. On other transcripts: non-coding transcript variant (3), intron variant (1).
Genome position (GRCh38, 1-based): chr6:348,959, G>A. VCF-style: chr6-348959-G-A. GRCh37 (hg19) VCF-style: chr6-348959-G-A.
Other names: c.508+118G>A (NM_020185.6).
Identifiers: ClinVar variation 3057555 (VCV003057555.2), dbSNP rs763240122, ClinGen allele CA3612518.
Genomic context (GRCh38, chr6:348,959, plus strand): 5'-GTTTTCCGGCACTGGCTCCGCTGACCTACGATAATTATACGACGGAGACCTAACGCAAGC[G>A]ACCTGCTGCCTTCCTTCCCACTGCTTGTCTTCAGTGTGCCCGGCTGGGCAGGGGTGCGGT-3'

ClinVar aggregate classification (germline): Likely benign (0 of 4 stars; one submission).

Conditions:
DUSP22-related disorder. Also called: DUSP22-related condition.

Allele frequency attached by ClinVar (database versions not stated): ExAC 0.00013; gnomAD 0.00013; gnomAD exomes 0.00041.
gnomAD v4.1: 604 of 1,574,460 alleles (0.038%); highest among the groups gnomAD compares: Non-Finnish European, 0.048%; no homozygotes.

Submission:

PreventionGenetics, part of Exact Sciences
Classification: Likely benign for DUSP22-related condition. Last evaluated: 2024-09-04. Review status: no assertion criteria provided. Collection method: clinical testing. Allele origin: germline.
Comment: This variant is classified as likely benign based on ACMG/AMP sequence variant interpretation guidelines (Richards et al. 2015 PMID: 25741868, with internal and published modifications).